The following is an entry in ClinVar:

ClinVar aggregate classification (germline): Conflicting classifications of pathogenicity. Review status: criteria provided, conflicting classifications (1 of 4 stars). 2 submissions from 2 submitters: Uncertain significance (1); Likely benign (1). Last evaluated 2026-01-01.

Conditions:
Inborn genetic diseases. Identifiers: MedGen C0950123, MeSH D030342.

Submissions (2):

CeGaT Center for Human Genetics Tuebingen
Classification: Likely benign. Last evaluated: 2026-01-01. Review status: criteria provided, single submitter. Criteria: CeGaT Center For Human Genetics Tuebingen Variant Classification Criteria Version 2. Collection method: clinical testing. Allele origin: germline. Affected: yes. Observed: 1 variant allele.
Comment: FOXJ1: BS2

Ambry Genetics
Classification: Uncertain significance for Inborn genetic diseases. Last evaluated: 2024-09-30. Review status: criteria provided, single submitter. Criteria: Ambry Variant Classification Scheme 2023. Collection method: clinical testing. Allele origin: germline.

NM_001454.4(FOXJ1):c.676C>T (p.Arg226Cys)

Gene: FOXJ1 (forkhead box J1; minus strand). Cytogenetic location: 17q25.1.
Variant type: single nucleotide variant.
Coding change: c.676C>T on transcript NM_001454.4 (MANE Select); coding-DNA position 676, C replaced by T.
Protein change: p.Arg226Cys; replaces arginine 226 with cysteine.
Molecular consequence: missense variant.
Genome position (GRCh38, 1-based): chr17:76,137,943, G>A on the plus strand (C>T on the coding strand, the complement: FOXJ1 is on the minus strand). VCF-style: chr17-76137943-G-A. GRCh37 (hg19) VCF-style: chr17-74134024-G-A.
Other names: short protein forms R226C.
Identifiers: ClinVar variation 3516765 (VCV003516765.5).